The following is an entry in ClinVar:

NM_020759.3(STARD9):c.4675G>T (p.Ala1559Ser)

Gene: STARD9 (StAR related lipid transfer domain containing 9; plus strand). Cytogenetic location: 15q15.2.
Variant type: single nucleotide variant.
Coding change: c.4675G>T on transcript NM_020759.3 (MANE Select); coding-DNA position 4675, G replaced by T.
Protein change: p.Ala1559Ser; replaces alanine 1559 with serine.
Molecular consequence: missense variant.
Genome position (GRCh38, 1-based): chr15:42,686,253, G>T. VCF-style: chr15-42686253-G-T. GRCh37 (hg19) VCF-style: chr15-42978451-G-T.
Other names: short protein forms A1559S.
Identifiers: ClinVar variation 3055214 (VCV003055214.2), dbSNP rs2505785841, ClinGen allele CA392043891.

ClinVar aggregate classification (germline): Uncertain significance (0 of 4 stars; one submission).

Conditions:
STARD9-related disorder. Also called: STARD9-related condition.

gnomAD v4.1: 1 of 1,537,748 alleles (0.000065%); no homozygotes.

Submission:

PreventionGenetics, part of Exact Sciences
Classification: Uncertain significance for STARD9-related condition. Last evaluated: 2023-11-08. Review status: no assertion criteria provided. Collection method: clinical testing. Allele origin: germline.
Comment: The STARD9 c.4675G>T variant is predicted to result in the amino acid substitution p.Ala1559Ser. To our knowledge, this variant has not been reported in the literature or in a large population database, indicating this variant is rare. At this time, the clinical significance of this variant is uncertain due to the absence of conclusive functional and genetic evidence.